The following is an entry in ClinVar:

NM_001470.4(GABBR1):c.2759A>G (p.Gln920Arg)

Gene: GABBR1 (gamma-aminobutyric acid type B receptor subunit 1; minus strand). Cytogenetic location: 6p22.1.
Variant type: single nucleotide variant.
Coding change: c.2759A>G on transcript NM_001470.4 (MANE Select); coding-DNA position 2759, A replaced by G.
Protein change: p.Gln920Arg; replaces glutamine 920 with arginine.
Molecular consequence: missense variant.
Genome position (GRCh38, 1-based): chr6:29,603,670, T>C on the plus strand (A>G on the coding strand, the complement: GABBR1 is on the minus strand). VCF-style: chr6-29603670-T-C. GRCh37 (hg19) VCF-style: chr6-29571447-T-C.
Other names: c.2228A>G, p.Gln743Arg (NM_001319053.2); c.2408A>G, p.Gln803Arg (NM_021903.3); c.2573A>G, p.Gln858Arg (NM_021904.4); short protein forms Q743R, Q803R, Q858R, Q920R.
Identifiers: ClinVar variation 5037110 (VCV005037110.1).

ClinVar aggregate classification (germline): Uncertain significance (1 of 4 stars; one submission).

Submission:

GeneDx
Classification: Uncertain significance. Last evaluated: 2026-04-15. Review status: criteria provided, single submitter. Criteria: GeneDx Variant Classification Process June 2021. Collection method: clinical testing. Allele origin: germline.
Comment: Not observed at significant frequency in large population cohorts (gnomAD); In silico analysis suggests that this missense variant does not alter protein structure/function; Has not been previously published as pathogenic or benign to our knowledge